The following is an entry in ClinVar:

ClinVar aggregate classification (germline): Pathogenic (1 of 4 stars; one submission).

Conditions:
Familial hypobetalipoproteinemia 1. Also called: APOB-Related Familial Hypobetalipoproteinemia; Hypobetalipoproteinemia, normotriglyceridemic; Acanthocytosis with hypobetalipoproteinemia. Identifiers: MedGen C4551990, MONDO:0014252, OMIM 615558.
Hypercholesterolemia, autosomal dominant, type B (FHCL2). Also called: Familial Hypercholesterolemia Type B; APOLIPOPROTEIN B-100, FAMILIAL DEFECTIVE; APOLIPOPROTEIN B-100, FAMILIAL LIGAND-DEFECTIVE; HYPERCHOLESTEROLEMIA, FAMILIAL, DUE TO LIGAND-DEFECTIVE APOLIPOPROTEIN B; APOB-Related Familial Hypercholesterolemia, Autosomal Dominant; Familial hypercholesterolemia 2. Identifiers: MedGen C1704417, MONDO:0007751, OMIM 144010.

Submission:

Labcorp Genetics (formerly Invitae), Labcorp
Classification: Pathogenic for Familial hypobetalipoproteinemia 1; Hypercholesterolemia, autosomal dominant, type B. Last evaluated: 2021-03-22. Review status: criteria provided, single submitter. Criteria: Invitae Variant Classification Sherloc (09022015). Collection method: clinical testing. Allele origin: germline.
Comment: For these reasons, this variant has been classified as Pathogenic. This variant has not been reported in the literature in individuals with APOB-related conditions. This variant is not present in population databases (ExAC no frequency). This sequence change creates a premature translational stop signal (p.Ala111Leufs*9) in the APOB gene. It is expected to result in an absent or disrupted protein product. Loss-of-function variants in APOB are known to be pathogenic (PMID: 20032471).

Literature cited by the submitters: PubMed 20032471.

NM_000384.3(APOB):c.331_332del (p.Ala111fs)

Gene: APOB (apolipoprotein B; minus strand). Cytogenetic location: 2p24.1.
Variant type: Deletion.
Coding change: c.331_332del on transcript NM_000384.3 (MANE Select); coding-DNA positions 331 to 332, 2 bases deleted (GC; older notation c.331_332delGC).
Protein change: p.Ala111fs; shifts the reading frame from alanine 111.
Molecular consequence: frameshift variant.
Genome position (GRCh38, 1-based): chr2:21,040,989-21,040,990, GC deleted on the plus strand (GC on the coding strand, the reverse complement: APOB is on the minus strand). VCF-style (leftmost placement, unchanged base first): chr2-21040988-GGC-G. GRCh37 (hg19) VCF-style: chr2-21263860-GGC-G.
Other names: short protein forms A111fs.
Identifiers: ClinVar variation 1402036 (VCV001402036.6), dbSNP rs2103387447, ClinGen allele CA2573134392.